The following is an entry in ClinVar:

ClinVar aggregate classification (germline): Uncertain significance (1 of 4 stars; one submission).

Conditions:
Holoprosencephaly 14. Identifiers: MedGen C5676994, MONDO:0030886, OMIM 619895.

Submission:

3billion
Classification: Uncertain significance for Holoprosencephaly 14. Last evaluated: 2025-11-11. Review status: criteria provided, single submitter. Criteria: ACMG Guidelines, 2015. Collection method: clinical testing. Allele origin: germline. Affected: yes.
Comment: The variant is not observed in the gnomAD v4.1.0 dataset. Predicted Consequence/Location: Intron variant In silico tools predict the variant to alter splicing and produce an abnormal transcript [SpliceAI: 0.24 (>=0.2, moderate evidence for spliceogenicity)]. Therefore, this variant is classified as VUS according to the recommendation of ACMG/AMP guideline.

NM_014996.4(PLCH1):c.772-47T>C

Gene: PLCH1 (phospholipase C eta 1; minus strand). Cytogenetic location: 3q25.31.
Variant type: single nucleotide variant.
Coding change: c.772-47T>C on transcript NM_014996.4 (MANE Select); 47 bases into the intron before coding-DNA position 772, T replaced by C.
Molecular consequence: intron variant.
Genome position (GRCh38, 1-based): chr3:155,568,371, A>G on the plus strand (T>C on the coding strand, the complement: PLCH1 is on the minus strand). VCF-style: chr3-155568371-A-G. GRCh37 (hg19) VCF-style: chr3-155286160-A-G.
Other names: c.772-47T>C (NM_001349251.2, NM_001349252.2); c.736-47T>C (NM_001130960.2, NM_001349250.2, NM_001130961.2).
Identifiers: ClinVar variation 4856062 (VCV004856062.1).
Genomic context (GRCh38, chr3:155,568,371, plus strand): 5'-GTCACATTATTCATCTAAGAAAAACAGAATACTAGTAGAGTACCTGCAATTTCATAAACT[A>G]TGTTCCTCCACAGTAGAAAGACATTTACTGATTTTGCATTCTTCACACCGTACAAAGTAC-3'